The following is an entry in ClinVar:

ClinVar aggregate classification (germline): Conflicting classifications of pathogenicity. Review status: criteria provided, conflicting classifications (1 of 4 stars). 3 submissions from 3 submitters: Uncertain significance (2); Likely benign (1). Last evaluated 2025-12-08.

Conditions:
Inborn genetic diseases. Identifiers: MedGen C0950123, MeSH D030342.
CHARGE syndrome (CHARGE). Also called: Hittner Hirsch Kreh syndrome; CHARGE ASSOCIATION--COLOBOMA, HEART ANOMALY, CHOANAL ATRESIA, RETARDATION, GENITAL AND EAR ANOMALIES; Coloboma, heart anomaly, choanal atresia, retardation, genital and ear anomalies; CHARGE association; Hall-Hittner syndrome. Identifiers: Orphanet 138, MedGen C0265354, MONDO:0008965.

gnomAD v4.1: 5 of 1,614,052 alleles (0.00031%); highest among the groups gnomAD compares: African/African-American, 0.0013%; no homozygotes.

Submissions (3):

Ambry Genetics
Classification: Uncertain significance for Inborn genetic diseases. Last evaluated: 2025-12-08. Review status: criteria provided, single submitter. Criteria: Ambry Variant Classification Scheme 2023. Collection method: clinical testing. Allele origin: germline.
Comment: The c.7469C>G (p.S2490W) alteration is located in exon 34 (coding exon 33) of the CHD7 gene. This alteration results from a C to G substitution at nucleotide position 7469, causing the serine (S) at amino acid position 2490 to be replaced by a tryptophan (W). Based on data from gnomAD, the G allele has an overall frequency of <0.001% (1/249238) total alleles studied. The highest observed frequency was 0.001% (1/112994) of European (non-Finnish) alleles. Based on insufficient or conflicting evidence, the clinical significance of this alteration remains unclear.

Labcorp Genetics (formerly Invitae), Labcorp
Classification: Likely benign for CHARGE syndrome. Last evaluated: 2022-06-23. Review status: criteria provided, single submitter. Criteria: Invitae Variant Classification Sherloc (09022015). Collection method: clinical testing. Allele origin: germline.

GeneDx
Classification: Uncertain significance. Last evaluated: 2022-03-21. Review status: criteria provided, single submitter. Criteria: GeneDx Variant Classification Process June 2021. Collection method: clinical testing. Allele origin: germline. Affected: yes.
Comment: Not observed at a significant frequency in large population cohorts (gnomAD); In silico analysis supports that this missense variant does not alter protein structure/function; Has not been previously published as pathogenic or benign to our knowledge

NM_017780.4(CHD7):c.7469C>G (p.Ser2490Trp)

Gene: CHD7 (chromodomain helicase DNA binding protein 7; plus strand). Cytogenetic location: 8q12.2.
Variant type: single nucleotide variant.
Coding change: c.7469C>G on transcript NM_017780.4 (MANE Select); coding-DNA position 7469, C replaced by G.
Protein change: p.Ser2490Trp; replaces serine 2490 with tryptophan.
Molecular consequence: missense variant. On other transcripts: intron variant (1).
Genome position (GRCh38, 1-based): chr8:60,856,749, C>G. VCF-style: chr8-60856749-C-G. GRCh37 (hg19) VCF-style: chr8-61769308-C-G.
Other names: c.7469C>G (NM_017780.3); c.1717-5480C>G (NM_001316690.1); short protein forms S2490W.
Identifiers: ClinVar variation 1314474 (VCV001314474.8), dbSNP rs371595770, ClinGen allele CA177321977.